The following is an entry in ClinVar:

NM_001289080.2(CNTN6):c.1585A>C (p.Ile529Leu)

Gene: CNTN6 (contactin 6; plus strand). Cytogenetic location: 3p26.3.
Variant type: single nucleotide variant.
Coding change: c.1585A>C on transcript NM_001289080.2 (MANE Select); coding-DNA position 1585, A replaced by C.
Protein change: p.Ile529Leu; replaces isoleucine 529 with leucine.
Molecular consequence: missense variant.
Genome position (GRCh38, 1-based): chr3:1,372,391, A>C. VCF-style: chr3-1372391-A-C. GRCh37 (hg19) VCF-style: chr3-1414075-A-C.
Other names: c.1369A>C, p.Ile457Leu (NM_001289081.2); c.1585A>C, p.Ile529Leu (NM_001349350.2, NM_001349351.2, NM_001349352.2 and 4 more transcripts); c.1477A>C, p.Ile493Leu (NM_001349356.2); c.1273A>C, p.Ile425Leu (NM_001349357.2); c.1030A>C, p.Ile344Leu (NM_001349358.2); c.463A>C, p.Ile155Leu (NM_001349359.2, NM_001349360.2, NM_001349361.2 and 1 more transcripts); c.1585A>C (NM_014461.3); short protein forms I155L, I344L, I425L, I457L, I493L, I529L.
Identifiers: ClinVar variation 3025134 (VCV003025134.24), dbSNP rs139645898, ClinGen allele CA2226223.

ClinVar aggregate classification (germline): Benign/Likely benign. Review status: criteria provided, multiple submitters, no conflicts (2 of 4 stars). 3 submissions from 3 submitters: Benign (1); Likely benign (1). 1 of the submissions does not count toward it. Last evaluated 2024-11-04.

Conditions:
CNTN6-related disorder. Also called: CNTN6-related condition.

Allele frequency attached by ClinVar (database versions not stated): ExAC 0.00064; TOPMed 0.00085; gnomAD 0.00090; gnomAD exomes 0.00117; ESP Exome Variant Server 0.00146.
gnomAD v4.1: 1,839 of 1,613,418 alleles (0.11%); highest among the groups gnomAD compares: Non-Finnish European, 0.14%; 2 homozygotes.

Submissions (3):

Blueprint Genetics
Classification: Likely benign. Last evaluated: 2024-11-04. Review status: criteria provided, single submitter. Criteria: ACMG Guidelines, 2015. Collection method: clinical testing. Allele origin: germline.

CeGaT Center for Human Genetics Tuebingen
Classification: Benign. Last evaluated: 2023-12-01. Review status: criteria provided, single submitter. Criteria: CeGaT Center For Human Genetics Tuebingen Variant Classification Criteria Version 2. Collection method: clinical testing. Allele origin: germline. Affected: yes. Observed: 1 variant allele.
Comment: CNTN6: BP4, BS1, BS2

PreventionGenetics, part of Exact Sciences
Classification: Likely benign for CNTN6-related condition. Last evaluated: 2023-10-13. Review status: no assertion criteria provided. Collection method: clinical testing. Allele origin: germline. Not counted in ClinVar's aggregate classification.
Comment: This variant is classified as likely benign based on ACMG/AMP sequence variant interpretation guidelines (Richards et al. 2015 PMID: 25741868, with internal and published modifications).